The following is an entry in ClinVar:

NM_006306.4(SMC1A):c.653G>A (p.Arg218Gln)

Gene: SMC1A (structural maintenance of chromosomes 1A; minus strand). Cytogenetic location: Xp11.22.
Variant type: single nucleotide variant.
Coding change: c.653G>A on transcript NM_006306.4 (MANE Select); coding-DNA position 653, G replaced by A.
Protein change: p.Arg218Gln; replaces arginine 218 with glutamine.
Molecular consequence: missense variant.
Genome position (GRCh38, 1-based): chrX:53,413,101, C>T on the plus strand (G>A on the coding strand, the complement: SMC1A is on the minus strand). VCF-style: chrX-53413101-C-T. GRCh37 (hg19) VCF-style: chrX-53440051-C-T.
Other names: c.587G>A, p.Arg196Gln (NM_001281463.1); short protein forms R218Q, R196Q.
Identifiers: ClinVar variation 1969419 (VCV001969419.6), dbSNP rs2075719827, ClinGen allele CA413258909.

ClinVar aggregate classification (germline): Uncertain significance. Review status: criteria provided, multiple submitters, no conflicts (2 of 4 stars). 2 submissions from 2 submitters: Uncertain significance (2). Last evaluated 2024-06-17.

Conditions:
Congenital muscular hypertrophy-cerebral syndrome (CDLS2). Also called: SMC1A-Related Cornelia de Lange Syndrome; Cornelia de Lange syndrome 2. Identifiers: Orphanet 199, MedGen C1802395, MONDO:0010370, OMIM 300590.
Developmental and epileptic encephalopathy, 85, with or without midline brain defects. Also called: EPILEPTIC ENCEPHALOPATHY, EARLY INFANTILE, 85, WITH OR WITHOUT MIDLINE BRAIN DEFECTS. Identifiers: MedGen C5393312, MONDO:0026771, OMIM 301044.

Allele frequency attached by ClinVar (database versions not stated): gnomAD exomes below 0.00001.

Submissions (2):

Fulgent Genetics
Classification: Uncertain significance for Congenital muscular hypertrophy-cerebral syndrome; Developmental and epileptic encephalopathy, 85, with or without midline brain defects. Last evaluated: 2024-06-17. Review status: criteria provided, single submitter. Criteria: ACMG Guidelines, 2015. Collection method: clinical testing. Allele origin: germline.

Labcorp Genetics (formerly Invitae), Labcorp
Classification: Uncertain significance for Congenital muscular hypertrophy-cerebral syndrome. Last evaluated: 2022-02-04. Review status: criteria provided, single submitter. Criteria: Invitae Variant Classification Sherloc (09022015). Collection method: clinical testing. Allele origin: germline.
Comment: This sequence change replaces arginine, which is basic and polar, with glutamine, which is neutral and polar, at codon 218 of the SMC1A protein (p.Arg218Gln). This variant is not present in population databases (gnomAD no frequency). This variant has not been reported in the literature in individuals affected with SMC1A-related conditions. Advanced modeling of protein sequence and biophysical properties (such as structural, functional, and spatial information, amino acid conservation, physicochemical variation, residue mobility, and thermodynamic stability) performed at Invitae indicates that this missense variant is not expected to disrupt SMC1A protein function. In summary, the available evidence is currently insufficient to determine the role of this variant in disease. Therefore, it has been classified as a Variant of Uncertain Significance.